The following is an entry in ClinVar:

NM_001366145.2(TRPM3):c.4855G>A (p.Ala1619Thr)

Genes: KLF9-DT (KLF9 divergent transcript; plus strand), TRPM3 (transient receptor potential cation channel subfamily M member 3; minus strand). Cytogenetic location: 9q21.12.
Variant type: single nucleotide variant.
Coding change: c.4855G>A on transcript NM_001366145.2 (MANE Select); coding-DNA position 4855, G replaced by A.
Protein change: p.Ala1619Thr; replaces alanine 1619 with threonine.
Molecular consequence: missense variant. On other transcripts: intron variant (8).
Genome position (GRCh38, 1-based): chr9:70,536,258, C>T on the plus strand (G>A on the coding strand, the complement: TRPM3 is on the minus strand). VCF-style: chr9-70536258-C-T. GRCh37 (hg19) VCF-style: chr9-73151174-C-T.
Other names: c.4819G>A, p.Ala1607Thr (NM_001007471.4); c.4825G>A, p.Ala1609Thr (NM_001366141.2, NM_001366149.2); c.4930G>A, p.Ala1644Thr (NM_001366147.2); c.4360G>A, p.Ala1454Thr (NM_020952.6); c.4396G>A, p.Ala1466Thr (NM_024971.7); c.4330G>A, p.Ala1444Thr (NM_206944.5); c.4366G>A, p.Ala1456Thr (NM_206945.5); c.4435G>A, p.Ala1479Thr (NM_206946.5); and 9 more; short protein forms A1444T, A1454T, A1456T, A1466T, A1469T, A1479T, A1607T, A1609T.
Identifiers: ClinVar variation 4084048 (VCV004084048.8).

ClinVar aggregate classification (germline): Likely benign (1 of 4 stars; one submission).

gnomAD v4.1: 211 of 1,614,088 alleles (0.013%); highest among the groups gnomAD compares: Middle Eastern, 0.13%; no homozygotes.

Submission:

CeGaT Center for Human Genetics Tuebingen
Classification: Likely benign. Last evaluated: 2026-03-01. Review status: criteria provided, single submitter. Criteria: CeGaT Center For Human Genetics Tuebingen Variant Classification Criteria Version 2. Collection method: clinical testing. Allele origin: germline. Affected: yes. Observed: 2 variant alleles.
Comment: TRPM3: BP4, BS1